The following is an entry in ClinVar:

NM_000158.4(GBE1):c.2036G>A (p.Arg679His)

Gene: GBE1 (1,4-alpha-glucan branching enzyme 1; minus strand). Cytogenetic location: 3p12.2.
Variant type: single nucleotide variant.
Coding change: c.2036G>A on transcript NM_000158.4 (MANE Select); coding-DNA position 2036, G replaced by A.
Protein change: p.Arg679His; replaces arginine 679 with histidine.
Molecular consequence: missense variant.
Genome position (GRCh38, 1-based): chr3:81,499,126, C>T on the plus strand (G>A on the coding strand, the complement: GBE1 is on the minus strand). VCF-style: chr3-81499126-C-T. GRCh37 (hg19) VCF-style: chr3-81548277-C-T.
Other names: p.Arg679His; short protein forms R679H.
Identifiers: ClinVar variation 1312010 (VCV001312010.5), dbSNP rs758188572, ClinGen allele CA2499482.
Genomic context (GRCh38, chr3:81,499,126, plus strand): 5'-GAGTAAATTAAAATAGCAGGAAATATGTTGAGAAACTTACTTACCAAAAGAGAATAGGGA[C>T]GCCCATTATGTTCAAAAGCCTCAGAAAAAAAGTCAGTGCTGTGGTCCAGTCTCTGATGCC-3'
Protein context (NP_000149.4, residues 669-689): FFSEAFEHNG[Arg679His]PYSLLVYIPS

ClinVar aggregate classification (germline): Uncertain significance. Review status: criteria provided, multiple submitters, no conflicts (2 of 4 stars). 3 submissions from 3 submitters: Uncertain significance (3). Last evaluated 2024-11-11.

Conditions:
Glycogen storage disease, type IV (GSD4). Also called: CIRRHOSIS, FAMILIAL, WITH DEPOSITION OF ABNORMAL GLYCOGEN; GBE1 DEFICIENCY; GLYCOGEN BRANCHING ENZYME DEFICIENCY; GLYCOGENOSIS IV; GSD IV; Glycogen storage disease due to glycogen branching enzyme deficiency. Identifiers: Orphanet 367, MedGen C0017923, MONDO:0009292, OMIM 232500.
Glycogen storage disease IV, classic hepatic. Also called: GSD IV, CLASSIC HEPATIC. Identifiers: MedGen C1856301.

Allele frequency attached by ClinVar (database versions not stated): TOPMed 0.00005; gnomAD 0.00009 and 0.00010.

Submissions (3):

Labcorp Genetics (formerly Invitae), Labcorp
Classification: Uncertain significance for Glycogen storage disease, type IV; Glycogen storage disease IV, classic hepatic. Last evaluated: 2024-11-11. Review status: criteria provided, single submitter. Criteria: Invitae Variant Classification Sherloc (09022015). Collection method: clinical testing. Allele origin: germline.
Comment: This sequence change replaces arginine, which is basic and polar, with histidine, which is basic and polar, at codon 679 of the GBE1 protein (p.Arg679His). This variant is present in population databases (rs758188572, gnomAD 0.02%). This variant has not been reported in the literature in individuals affected with GBE1-related conditions. ClinVar contains an entry for this variant (Variation ID: 1312010). Invitae Evidence Modeling of protein sequence and biophysical properties (such as structural, functional, and spatial information, amino acid conservation, physicochemical variation, residue mobility, and thermodynamic stability) indicates that this missense variant is not expected to disrupt GBE1 protein function with a negative predictive value of 95%. In summary, the available evidence is currently insufficient to determine the role of this variant in disease. Therefore, it has been classified as a Variant of Uncertain Significance.

Mayo Clinic Laboratories, Mayo Clinic
Classification: Uncertain significance. Last evaluated: 2022-04-01. Review status: criteria provided, single submitter. Criteria: ACMG Guidelines, 2015. Collection method: clinical testing. Allele origin: germline. Observed: 1 variant allele.
Comment: PM2

GeneDx
Classification: Uncertain significance. Last evaluated: 2020-01-13. Review status: criteria provided, single submitter. Criteria: GeneDx Variant Classification Process June 2021. Collection method: clinical testing. Allele origin: germline. Affected: yes.
Comment: Has not been previously published as pathogenic or benign to our knowledge; In silico analysis, which includes protein predictors and evolutionary conservation, supports a deleterious effect